The following is an entry in ClinVar:

NM_013266.4(CTNNA3):c.1642G>T (p.Ala548Ser)

Gene: CTNNA3 (catenin alpha 3; minus strand). Cytogenetic location: 10q21.3.
Variant type: single nucleotide variant.
Coding change: c.1642G>T on transcript NM_013266.4 (MANE Select); coding-DNA position 1642, G replaced by T.
Protein change: p.Ala548Ser; replaces alanine 548 with serine.
Molecular consequence: missense variant.
Genome position (GRCh38, 1-based): chr10:66,379,242, C>A on the plus strand (G>T on the coding strand, the complement: CTNNA3 is on the minus strand). VCF-style: chr10-66379242-C-A. GRCh37 (hg19) VCF-style: chr10-68139000-C-A.
Other names: c.1642G>T, p.Ala548Ser (NM_001127384.3); short protein forms A548S.
Identifiers: ClinVar variation 1777079 (VCV001777079.2), dbSNP rs2547059423, ClinGen allele CA377090380.

ClinVar aggregate classification (germline): Uncertain significance (1 of 4 stars; one submission).

Allele frequency attached by ClinVar (database versions not stated): gnomAD exomes below 0.00001.
gnomAD v4.1: 1 of 1,614,138 alleles (0.000062%); highest among the groups gnomAD compares: Non-Finnish European, 0.000085%; no homozygotes.

Submission:

Ambry Genetics
Classification: Uncertain significance. Last evaluated: 2021-12-03. Review status: criteria provided, single submitter. Criteria: Ambry Variant Classification Scheme 2023. Collection method: clinical testing. Allele origin: germline.
Comment: The p.A548S variant (also known as c.1642G>T), located in coding exon 11 of the CTNNA3 gene, results from a G to T substitution at nucleotide position 1642. The alanine at codon 548 is replaced by serine, an amino acid with similar properties. This amino acid position is conserved. In addition, this alteration is predicted to be tolerated by in silico analysis. Since supporting evidence is limited at this time, the clinical significance of this alteration remains unclear.